The following is an entry in ClinVar:

ClinVar aggregate classification (germline): Benign/Likely benign. Review status: criteria provided, multiple submitters, no conflicts (2 of 4 stars). 3 submissions from 3 submitters: Benign (1); Likely benign (2). Last evaluated 2026-09-14.

Conditions:
Colorectal cancer, hereditary nonpolyposis, type 7. Identifiers: Orphanet 144, MedGen C1858380, MONDO:0013725, OMIM 614385.

Allele frequency attached by ClinVar (database versions not stated): ExAC 0.00002; gnomAD exomes 0.00001 and 0.00002; TOPMed below 0.00001.
gnomAD v4.1: 15 of 1,613,944 alleles (0.00093%); highest among the groups gnomAD compares: South Asian, 0.015%; 1 homozygote.

Submissions (3):

Myriad Genetics, Inc.
Classification: Benign for Colorectal cancer, hereditary nonpolyposis, type 7. Last evaluated: 2026-09-14. Review status: criteria provided, single submitter. Criteria: Myriad Autosomal Dominant, Autosomal Recessive and X-Linked Classification Criteria (2023). Collection method: clinical testing. Allele origin: unknown.
Comment: This variant is considered benign. This variant is a silent/synonymous amino acid change and it is not expected to impact splicing.

Center for Genomic Medicine, Rigshospitalet, Copenhagen University Hospital
Classification: Likely benign. Last evaluated: 2025-03-04. Review status: criteria provided, single submitter. Criteria: ACMG Guidelines, 2015. Collection method: clinical testing. Allele origin: germline.

Ambry Genetics
Classification: Likely benign. Last evaluated: 2024-11-08. Review status: criteria provided, single submitter. Criteria: Ambry Variant Classification Scheme 2023. Collection method: clinical testing. Allele origin: germline.

NM_001040108.2(MLH3):c.1479A>G (p.Glu493=)

Gene: MLH3 (mutL homolog 3; minus strand). Cytogenetic location: 14q24.3.
Variant type: single nucleotide variant.
Coding change: c.1479A>G on transcript NM_001040108.2 (MANE Select); coding-DNA position 1479, A replaced by G.
Protein change: p.Glu493=; no amino-acid change (glutamic acid 493 retained).
Molecular consequence: synonymous variant.
Genome position (GRCh38, 1-based): chr14:75,048,177, T>C on the plus strand (A>G on the coding strand, the complement: MLH3 is on the minus strand). VCF-style: chr14-75048177-T-C. GRCh37 (hg19) VCF-style: chr14-75514880-T-C.
Other names: c.1479A>G, p.Glu493= (NM_014381.3).
Identifiers: ClinVar variation 1697700 (VCV001697700.9), dbSNP rs771363474, ClinGen allele CA7275867.
Genomic context (GRCh38, chr14:75,048,177, plus strand): 5'-CTGAAAAGGGCTTAAAAACATTTCTAAACTGGTTCCACACGGATTTTCTAAAGAGCTATG[T>C]TCCAGGAAAGATTTTTTATGTTTCTCATTTTCTCCAGCTTCTGATGCTACAATTGTCTCT-3'
Protein context (NP_001035197.1, residues 483-503): ENEKHKKSFL[Glu493=]HSSLENPCGT